The following is an entry in ClinVar:

NM_000038.6(APC):c.6082A>G (p.Ser2028Gly)

Gene: APC (APC regulator of Wnt signaling pathway; plus strand). Cytogenetic location: 5q22.2.
Variant type: single nucleotide variant.
Coding change: c.6082A>G on transcript NM_000038.6 (MANE Select); coding-DNA position 6082, A replaced by G.
Protein change: p.Ser2028Gly; replaces serine 2028 with glycine.
Molecular consequence: missense variant.
Genome position (GRCh38, 1-based): chr5:112,841,676, A>G. VCF-style: chr5-112841676-A-G. GRCh37 (hg19) VCF-style: chr5-112177373-A-G.
Other names: c.5602A>G, p.Ser1868Gly (NM_001354905.2); c.5233A>G, p.Ser1745Gly (NM_001354906.2); c.6082A>G, p.Ser2028Gly (NM_001127510.3, NM_001354895.2); c.6028A>G, p.Ser2010Gly (NM_001127511.3); c.5704A>G, p.Ser1902Gly (NM_001354904.2); c.6136A>G, p.Ser2046Gly (NM_001354896.2); c.6112A>G, p.Ser2038Gly (NM_001354897.2); c.6007A>G, p.Ser2003Gly (NM_001354898.2); and 5 more; short protein forms S1745G, S1868G, S1927G, S1902G, S1987G, S2003G, S1937G, S1969G.
Identifiers: ClinVar variation 955630 (VCV000955630.12), dbSNP rs1766128747, ClinGen allele CA16034643.

ClinVar aggregate classification (germline): Uncertain significance. Review status: criteria provided, multiple submitters, no conflicts (2 of 4 stars). 2 submissions from 2 submitters: Uncertain significance (2). Last evaluated 2025-10-27.

Conditions:
Hereditary cancer-predisposing syndrome. Also called: Hereditary neoplastic syndrome; Tumor predisposition; Neoplastic Syndromes, Hereditary; Hereditary Cancer Syndrome. Identifiers: Orphanet 140162, MedGen C0027672, MeSH D009386, MONDO:0015356.
Familial adenomatous polyposis 1 (FAP1). Also called: FAMILIAL ADENOMATOUS POLYPOSIS 1, ATTENUATED; POLYPOSIS, ADENOMATOUS INTESTINAL. Identifiers: MedGen C2713442, MONDO:0021056, OMIM 175100. Disease mechanism: loss of function.

Submissions (2):

Ambry Genetics
Classification: Uncertain significance for Hereditary cancer-predisposing syndrome. Last evaluated: 2025-10-27. Review status: criteria provided, single submitter. Criteria: Ambry Variant Classification Scheme 2023. Collection method: clinical testing. Allele origin: germline.
Comment: The p.S2028G variant (also known as c.6082A>G), located in coding exon 15 of the APC gene, results from an A to G substitution at nucleotide position 6082. The serine at codon 2028 is replaced by glycine, an amino acid with similar properties. This amino acid position is conserved. In addition, in silico predictors for this gene do not accurately predict pathogenicity. Based on the available evidence, the clinical significance of this variant remains unclear.

Labcorp Genetics (formerly Invitae), Labcorp
Classification: Uncertain significance for Familial adenomatous polyposis 1. Last evaluated: 2024-05-02. Review status: criteria provided, single submitter. Criteria: Invitae Variant Classification Sherloc (09022015). Collection method: clinical testing. Allele origin: germline.
Comment: This sequence change replaces serine, which is neutral and polar, with glycine, which is neutral and non-polar, at codon 2028 of the APC protein (p.Ser2028Gly). This variant is not present in population databases (gnomAD no frequency). This variant has not been reported in the literature in individuals affected with APC-related conditions. ClinVar contains an entry for this variant (Variation ID: 955630). Advanced modeling of protein sequence and biophysical properties (such as structural, functional, and spatial information, amino acid conservation, physicochemical variation, residue mobility, and thermodynamic stability) performed at Invitae indicates that this missense variant is not expected to disrupt APC protein function with a negative predictive value of 95%. In summary, the available evidence is currently insufficient to determine the role of this variant in disease. Therefore, it has been classified as a Variant of Uncertain Significance.